The following is an entry in ClinVar:

NM_031475.3(ESPN):c.2530G>A (p.Val844Ile)

Gene: ESPN (espin; plus strand). Cytogenetic location: 1p36.31.
Variant type: single nucleotide variant.
Coding change: c.2530G>A on transcript NM_031475.3 (MANE Select); coding-DNA position 2530, G replaced by A.
Protein change: p.Val844Ile; replaces valine 844 with isoleucine.
Molecular consequence: missense variant.
Genome position (GRCh38, 1-based): chr1:6,460,111, G>A. VCF-style: chr1-6460111-G-A. GRCh37 (hg19) VCF-style: chr1-6520171-G-A.
Other names: c.2440G>A, p.Val814Ile (NM_001367473.1); c.2467G>A, p.Val823Ile (NM_001367474.1); short protein forms V814I, V823I, V844I.
Identifiers: ClinVar variation 1804530 (VCV001804530.6), dbSNP rs200429314, ClinGen allele CA560551.
Genomic context (GRCh38, chr1:6,460,111, plus strand): 5'-TCAGAGAAGCTGCGGACGCTGGGCTACGATGAGAGCAAGCTGGCGCCCTGGCAGCGACAG[G>A]TCATCCTGAAGAAGGGGGACATCGCTAAGTACTAGAGGCCGCAGACTCCTGTCCGCAGCC-3'
Protein context (NP_113663.2, residues 834-854): ESKLAPWQRQ[Val844Ile]ILKKGDIAKY

ClinVar aggregate classification (germline): Conflicting classifications of pathogenicity. Review status: criteria provided, conflicting classifications (1 of 4 stars). 4 submissions from 4 submitters: Uncertain significance (3); Likely benign (1). Last evaluated 2026-05-27.

Conditions:
Inborn genetic diseases. Identifiers: MedGen C0950123, MeSH D030342.
ESPN-related disorder. Also called: ESPN-related condition.

Allele frequency attached by ClinVar (database versions not stated): ExAC 0.00001; gnomAD 0.00001; TOPMed 0.00001; gnomAD exomes 0.00002; ESP Exome Variant Server 0.00008; 1000 Genomes Project 30x 0.00016; 1000 Genomes Project 0.00020.
gnomAD v4.1: 30 of 1,613,086 alleles (0.0019%); highest among the groups gnomAD compares: Non-Finnish European, 0.0025%; no homozygotes.

Submissions (4):

PreventionGenetics, part of Exact Sciences
Classification: Uncertain significance for ESPN-related condition. Last evaluated: 2026-05-27. Review status: criteria provided, single submitter. Criteria: ACMG Guidelines, 2015. Collection method: clinical testing. Allele origin: germline.
Comment: The ESPN c.2530G>A variant is predicted to result in the amino acid substitution p.Val844Ile. To our knowledge, this variant has not been reported in the literature. This variant is reported in 0.0054% of alleles in individuals of East Asian descent in gnomAD. At this time, the clinical significance of this variant is uncertain due to the absence of conclusive functional and genetic evidence.

Ambry Genetics
Classification: Likely benign for Inborn genetic diseases. Last evaluated: 2024-04-01. Review status: criteria provided, single submitter. Criteria: Ambry Variant Classification Scheme 2023. Collection method: clinical testing. Allele origin: germline.

GeneDx
Classification: Uncertain significance. Last evaluated: 2022-06-13. Review status: criteria provided, single submitter. Criteria: GeneDx Variant Classification Process June 2021. Collection method: clinical testing. Allele origin: germline. Affected: yes.
Comment: In silico analysis supports that this missense variant does not alter protein structure/function; Has not been previously published as pathogenic or benign to our knowledge

Revvity Omics, Revvity
Classification: Uncertain significance. Last evaluated: 2019-11-13. Review status: criteria provided, single submitter. Criteria: ACMG Guidelines, 2015. Collection method: clinical testing. Allele origin: germline.